The following is an entry in ClinVar:

NM_000321.3(RB1):c.1356G>A (p.Leu452=)

Gene: RB1 (RB transcriptional corepressor 1; plus strand). Cytogenetic location: 13q14.2.
Variant type: single nucleotide variant.
Coding change: c.1356G>A on transcript NM_000321.3 (MANE Select); coding-DNA position 1356, G replaced by A.
Protein change: p.Leu452=; no amino-acid change (leucine 452 retained).
Molecular consequence: synonymous variant.
Genome position (GRCh38, 1-based): chr13:48,379,617, G>A. VCF-style: chr13-48379617-G-A. GRCh37 (hg19) VCF-style: chr13-48953753-G-A.
Other names: c.1356G>A (NM_000321.2).
Identifiers: ClinVar variation 1081187 (VCV001081187.11), dbSNP rs201285819, ClinGen allele CA028287.
Genomic context (GRCh38, chr13:48,379,617, plus strand): 5'-ATAGCAGGCTCTTATTTTTCTTTTTGTTTGTTTGTAGCGATACAAACTTGGAGTTCGCTT[G>A]TATTACCGAGTAATGGAATCCATGCTTAAATCAGTAAGTTAAAAACAATATAAAAAAATT-3'
Protein context (NP_000312.2, residues 442-462): GSQRYKLGVR[Leu452=]YYRVMESMLK

ClinVar aggregate classification (germline): Likely benign. Review status: criteria provided, multiple submitters, no conflicts (2 of 4 stars). 3 submissions from 3 submitters: Likely benign (3). Last evaluated 2025-09-03.

Conditions:
Hereditary cancer-predisposing syndrome. Also called: Hereditary Cancer Syndrome; Hereditary neoplastic syndrome; Tumor predisposition; Neoplastic Syndromes, Hereditary. Identifiers: Orphanet 140162, MedGen C0027672, MeSH D009386, MONDO:0015356.
Retinoblastoma (RB1). Also called: RETINOBLASTOMA, SOMATIC. Identifiers: Orphanet 790, MedGen C0035335, MeSH D012175, MONDO:0008380, OMIM 180200, HP:0009919. Disease mechanism: loss of function. Inheritance: Both sporadic and heritable forms are tested..

Allele frequency attached by ClinVar (database versions not stated): gnomAD exomes below 0.00001 and 0.00001; TOPMed below 0.00001; ExAC 0.00001; gnomAD 0.00001; 1000 Genomes Project 30x 0.00016; 1000 Genomes Project 0.00020.
gnomAD v4.1: 6 of 1,612,320 alleles (0.00037%); highest among the groups gnomAD compares: East Asian, 0.013%; no homozygotes.

Submissions (3):

Labcorp Genetics (formerly Invitae), Labcorp
Classification: Likely benign for Retinoblastoma. Last evaluated: 2025-09-03. Review status: criteria provided, single submitter. Criteria: Invitae Variant Classification Sherloc (09022015). Collection method: clinical testing. Allele origin: germline.

All of Us Research Program, National Institutes of Health
Classification: Likely benign for Retinoblastoma. Last evaluated: 2023-04-03. Review status: criteria provided, single submitter. Criteria: ACMG Guidelines, 2015. Collection method: clinical testing. Allele origin: germline. Inheritance: Autosomal dominant inheritance. Observed: 1 variant allele, 1 heterozygote.
Comment: This study involves interpretation of variants in research participants for the purpose of population health screening. Participant phenotype was not available at the time of variant classification. Additional details can be found in publication PMID: 35346344, PMCID: PMC8962531

Ambry Genetics
Classification: Likely benign for Hereditary cancer-predisposing syndrome. Last evaluated: 2023-01-03. Review status: criteria provided, single submitter. Criteria: Ambry Variant Classification Scheme 2023. Collection method: clinical testing. Allele origin: germline.